The following is an entry in ClinVar:

NM_004360.5(CDH1):c.1156G>A (p.Glu386Lys)

Gene: CDH1 (cadherin 1; plus strand). Cytogenetic location: 16q22.1.
Variant type: single nucleotide variant.
Coding change: c.1156G>A on transcript NM_004360.5 (MANE Select); coding-DNA position 1156, G replaced by A.
Protein change: p.Glu386Lys; replaces glutamic acid 386 with lysine.
Molecular consequence: missense variant. On other transcripts: 5 prime UTR variant (2), intron variant (1).
Genome position (GRCh38, 1-based): chr16:68,813,331, G>A. VCF-style: chr16-68813331-G-A. GRCh37 (hg19) VCF-style: chr16-68847234-G-A.
Other names: c.-460G>A (NM_001317185.2); c.-664G>A (NM_001317186.2); c.1137+1068G>A (NM_001317184.2); short protein forms E386K.
Identifiers: ClinVar variation 1315779 (VCV001315779.9), dbSNP rs2152133328, ClinGen allele CA396461069.
Genomic context (GRCh38, chr16:68,813,331, plus strand): 5'-AGTCTTGGTACTTTGTAAATGACACATCTCTTTGCTCTGCAGTACAAGGGTCAGGTGCCT[G>A]AGAACGAGGCTAACGTCGTAATCACCACACTGAAAGTGACTGATGCTGATGCCCCCAATA-3'
Protein context (NP_004351.1, residues 376-396): NPTTYKGQVP[Glu386Lys]NEANVVITTL

ClinVar aggregate classification (germline): Uncertain significance. Review status: criteria provided, multiple submitters, no conflicts (2 of 4 stars). 2 submissions from 2 submitters: Uncertain significance (2). Last evaluated 2021-04-05.

Conditions:
Hereditary diffuse gastric adenocarcinoma (HDGC). Also called: DIFFUSE GASTRIC AND LOBULAR BREAST CANCER SYNDROME. Identifiers: Orphanet 26106, MedGen C1708349, MONDO:0007648, OMIM 137215.

Submissions (2):

Labcorp Genetics (formerly Invitae), Labcorp
Classification: Uncertain significance for Hereditary diffuse gastric adenocarcinoma. Last evaluated: 2021-04-05. Review status: criteria provided, single submitter. Criteria: Invitae Variant Classification Sherloc (09022015). Collection method: clinical testing. Allele origin: germline.
Comment: In summary, the available evidence is currently insufficient to determine the role of this variant in disease. Therefore, it has been classified as a Variant of Uncertain Significance. Algorithms developed to predict the effect of missense changes on protein structure and function (SIFT, PolyPhen-2, Align-GVGD) all suggest that this variant is likely to be disruptive, but these predictions have not been confirmed by published functional studies and their clinical significance is uncertain. This variant has not been reported in the literature in individuals with CDH1-related conditions. This variant is not present in population databases (ExAC no frequency). This sequence change replaces glutamic acid with lysine at codon 386 of the CDH1 protein (p.Glu386Lys). The glutamic acid residue is highly conserved and there is a small physicochemical difference between glutamic acid and lysine.

GeneDx
Classification: Uncertain significance. Last evaluated: 2019-07-12. Review status: criteria provided, single submitter. Criteria: GeneDx Variant Classification Process June 2021. Collection method: clinical testing. Allele origin: germline. Affected: yes.
Comment: Has not been previously published as pathogenic or benign to our knowledge; Not observed in large population cohorts (Lek et al., 2016); In silico analysis, which includes protein predictors and evolutionary conservation, supports a deleterious effect